The following is an entry in ClinVar:

NM_000493.4(COL10A1):c.1925T>A (p.Ile642Asn)

Genes: COL10A1 (collagen type X alpha 1 chain; minus strand), NT5DC1 (5'-nucleotidase domain containing 1; plus strand). Cytogenetic location: 6q22.1.
Variant type: single nucleotide variant.
Coding change: c.1925T>A on transcript NM_000493.4 (MANE Select); coding-DNA position 1925, T replaced by A.
Protein change: p.Ile642Asn; replaces isoleucine 642 with asparagine.
Molecular consequence: missense variant. On other transcripts: intron variant (1).
Genome position (GRCh38, 1-based): chr6:116,120,191, A>T on the plus strand (T>A on the coding strand, the complement: COL10A1 is on the minus strand). VCF-style: chr6-116120191-A-T. GRCh37 (hg19) VCF-style: chr6-116441354-A-T.
Other names: c.1925T>A, p.Ile642Asn (NM_001424107.1, NM_001424106.1); c.529+2246A>T (NM_152729.3); short protein forms I642N.
Identifiers: ClinVar variation 4887958 (VCV004887958.1).
Genomic context (GRCh38, chr6:116,120,191, plus strand): 5'-AGGCCATTTGACTCGGCATTGGGAAGCTGGAGCCACACCTGGTCATTTTCTGTGAGATCG[A>T]TGATGGCACTCCCTGAAGCCTGATCCAGGTAGCCTTTGGTGTATTCATCATAGGTGTACA-3'
Protein context (NP_000484.2, residues 632-652): YLDQASGSAI[Ile642Asn]DLTENDQVWL

ClinVar aggregate classification (germline): Uncertain significance (1 of 4 stars; one submission).

Conditions:
Metaphyseal chondrodysplasia, Schmid type (MCDS). Also called: SPONDYLOMETAPHYSEAL DYSPLASIA, JAPANESE TYPE. Identifiers: Orphanet 174, MedGen C0265289, MONDO:0007983, OMIM 156500.

Submission:

Laboratorio Biología Molecular, Sanatorio Americano
Classification: Uncertain significance for Metaphyseal chondrodysplasia, Schmid type. Last evaluated: 2026-07-20. Review status: criteria provided, single submitter. Criteria: ACMG Guidelines, 2015. Collection method: clinical testing. Allele origin: germline. Inheritance: Autosomal dominant inheritance. Affected: yes. Observed: 1 variant allele, 1 heterozygote.
Comment: The variant is absent from the gnomAD v4 database. It is located in a mutational hotspot and/or critical and well-established functional domain in which pathogenic variants have been reported.